The following is an entry in ClinVar:

ClinVar aggregate classification (germline): Likely pathogenic (1 of 4 stars; one submission).

Submission:

GeneDx
Classification: Likely pathogenic. Last evaluated: 2025-07-03. Review status: criteria provided, single submitter. Criteria: GeneDx Variant Classification Process June 2021. Collection method: clinical testing. Allele origin: germline. Affected: yes.
Comment: Identified in a patient belonging to a cohort of individuals with a reported diagnosis of neurofibromatosis type 1 in published literature (PMID: 25074460) but additional evidence is not available; Nonsense variant predicted to result in protein truncation or nonsense mediated decay in a gene for which loss of function is a known mechanism of disease; Not observed at significant frequency in large population cohorts (gnomAD); This variant is associated with the following publications: (PMID: 34887416, 25074460)

NM_001042492.3(NF1):c.1837_1841del (p.Leu612_Lys613insTer)

Gene: NF1 (neurofibromin 1; plus strand). Cytogenetic location: 17q11.2.
Variant type: Deletion.
Coding change: c.1837_1841del on transcript NM_001042492.3 (MANE Select); coding-DNA positions 1837 to 1841, 5 bases deleted (AAAAA; older notation c.1837_1841delAAAAA).
Protein change: p.Leu612_Lys613insTer.
Molecular consequence: nonsense. On other transcripts: frameshift variant (1).
Genome position (GRCh38, 1-based): chr17:31,223,559-31,223,563, AAAAA deleted. VCF-style (leftmost placement, unchanged base first): chr17-31223558-TAAAAA-T. GRCh37 (hg19) VCF-style: chr17-29550576-TAAAAA-T.
Other names: c.1837_1841delAAAAA, p.Lys613Terfs (NM_000267.3); c.1837_1841del, p.Leu612_Lys613insTer (NM_000267.4).
Identifiers: ClinVar variation 4681174 (VCV004681174.1).